The following is an entry in ClinVar:

ClinVar aggregate classification (germline): Uncertain significance (1 of 4 stars; one submission).

Submission:

GeneDx
Classification: Uncertain significance. Last evaluated: 2024-11-30. Review status: criteria provided, single submitter. Criteria: GeneDx Variant Classification Process June 2021. Collection method: clinical testing. Allele origin: germline. Affected: yes.
Comment: Not observed at significant frequency in large population cohorts (gnomAD); In silico analysis supports that this missense variant has a deleterious effect on protein structure/function; Has not been previously published as pathogenic or benign to our knowledge

NM_021614.4(KCNN2):c.1769C>A (p.Thr590Asn)

Genes: KCNN2 (potassium calcium-activated channel subfamily N member 2; plus strand), LOC101927078 (uncharacterized LOC101927078; minus strand). Cytogenetic location: 5q22.3.
Variant type: single nucleotide variant.
Coding change: c.1769C>A on transcript NM_021614.4 (MANE Select); coding-DNA position 1769, C replaced by A.
Protein change: p.Thr590Asn; replaces threonine 590 with asparagine.
Molecular consequence: missense variant. On other transcripts: non-coding transcript variant (2).
Genome position (GRCh38, 1-based): chr5:114,463,180, C>A. VCF-style: chr5-114463180-C-A. GRCh37 (hg19) VCF-style: chr5-113798877-C-A.
Other names: c.1967C>A, p.Thr656Asn (NM_001372233.1); c.89C>A, p.Thr30Asn (NM_170775.3); short protein forms T30N, T590N, T656N.
Identifiers: ClinVar variation 3900957 (VCV003900957.1).
Genomic context (GRCh38, chr5:114,463,180, plus strand): 5'-CCATTGGTTATGGTGACATGGTACCTAACACATACTGTGGAAAAGGAGTCTGCTTACTTA[C>A]TGGAATTATGGTAAGTGTCTTTATACTTCACATCTCTTTTATTTACGCTCAAGAAGGCAC-3'
Protein context (NP_067627.3, residues 580-600): TYCGKGVCLL[Thr590Asn]GIMGAGCTAL